The following is an entry in ClinVar:

NM_000246.4(CIITA):c.1579G>C (p.Gly527Arg)

Gene: CIITA (class II major histocompatibility complex transactivator; plus strand). Cytogenetic location: 16p13.13.
Variant type: single nucleotide variant.
Coding change: c.1579G>C on transcript NM_000246.4 (MANE Select); coding-DNA position 1579, G replaced by C.
Protein change: p.Gly527Arg; replaces glycine 527 with arginine.
Molecular consequence: missense variant. On other transcripts: intron variant (1).
Genome position (GRCh38, 1-based): chr16:10,907,071, G>C. VCF-style: chr16-10907071-G-C. GRCh37 (hg19) VCF-style: chr16-11000928-G-C.
Other names: c.1582G>C, p.Gly528Arg (NM_001286402.1, NM_001379332.1); c.1435G>C, p.Gly479Arg (NM_001379330.1); c.1432G>C, p.Gly478Arg (NM_001379331.1); c.1579G>C, p.Gly527Arg (NM_001379333.1); c.1510G>C, p.Gly504Arg (NM_001379334.1); c.860-1912G>C (NM_001286403.2); short protein forms G527R, G528R, G478R, G479R, G504R.
Identifiers: ClinVar variation 459193 (VCV000459193.9), dbSNP rs35451230, ClinGen allele CA7900179.
Genomic context (GRCh38, chr16:10,907,071, plus strand): 5'-CAAGATGGCTTCCTGCACAGCACGTGCGGACCGGCACCGGCGGAGCCCTGCTCCCTCCGG[G>C]GGCTGCTGGCCGGCCTTTTCCAGAAGAAGCTGCTCCGAGGTTGCACCCTCCTCCTCACAG-3'
Protein context (NP_000237.2, residues 517-537): PAPAEPCSLR[Gly527Arg]LLAGLFQKKL

ClinVar aggregate classification (germline): Uncertain significance. Review status: criteria provided, single submitter (1 of 4 stars). 2 submissions from 2 submitters: Uncertain significance (1). 1 of the submissions does not count toward it. Last evaluated 2021-09-07.

Conditions:
MHC class II deficiency. Also called: Bare lymphocyte syndrome 2; BLS, TYPE II. Identifiers: Orphanet 572, MedGen C5447452, MONDO:0008855.

Allele frequency attached by ClinVar (database versions not stated): gnomAD 0.00003; TOPMed 0.00003.
gnomAD v4.1: 124 of 1,607,314 alleles (0.0077%); highest among the groups gnomAD compares: Non-Finnish European, 0.0097%; no homozygotes.

Submissions (2):

Labcorp Genetics (formerly Invitae), Labcorp
Classification: Uncertain significance for MHC class II deficiency. Last evaluated: 2021-09-07. Review status: criteria provided, single submitter. Criteria: Invitae Variant Classification Sherloc (09022015). Collection method: clinical testing. Allele origin: germline.
Comment: This sequence change replaces glycine with arginine at codon 527 of the CIITA protein (p.Gly527Arg). The glycine residue is moderately conserved and there is a moderate physicochemical difference between glycine and arginine. This variant is present in population databases (rs35451230, ExAC 0.01%). This variant has not been reported in the literature in individuals affected with CIITA-related conditions. Algorithms developed to predict the effect of missense changes on protein structure and function are either unavailable or do not agree on the potential impact of this missense change (SIFT: "Tolerated"; PolyPhen-2: "Probably Damaging"; Align-GVGD: "Class C0"). In summary, the available evidence is currently insufficient to determine the role of this variant in disease. Therefore, it has been classified as a Variant of Uncertain Significance.

Natera, Inc.
Classification: Uncertain significance for Bare lymphocyte syndrome type II. Last evaluated: 2019-10-28. Review status: no assertion criteria provided. Collection method: clinical testing. Allele origin: germline. Not counted in ClinVar's aggregate classification.